The following is an entry in ClinVar:

NM_003718.5(CDK13):c.3029+3A>G

Gene: CDK13 (cyclin dependent kinase 13; plus strand). Cytogenetic location: 7p14.1.
Variant type: single nucleotide variant.
Coding change: c.3029+3A>G on transcript NM_003718.5 (MANE Select); 3 bases into the intron after coding-DNA position 3029, A replaced by G.
Molecular consequence: intron variant.
Genome position (GRCh38, 1-based): chr7:40,078,854, A>G. VCF-style: chr7-40078854-A-G. GRCh37 (hg19) VCF-style: chr7-40118453-A-G.
Other names: c.3029+3A>G (NM_031267.3).
Identifiers: ClinVar variation 2129985 (VCV002129985.4), dbSNP rs2484032779, ClinGen allele CA2580077103.

ClinVar aggregate classification (germline): Uncertain significance (1 of 4 stars; one submission).

Submission:

Labcorp Genetics (formerly Invitae), Labcorp
Classification: Uncertain significance. Last evaluated: 2022-04-24. Review status: criteria provided, single submitter. Criteria: Invitae Variant Classification Sherloc (09022015). Collection method: clinical testing. Allele origin: germline.
Comment: In summary, the available evidence is currently insufficient to determine the role of this variant in disease. Therefore, it has been classified as a Variant of Uncertain Significance. Variants that disrupt the consensus splice site are a relatively common cause of aberrant splicing (PMID: 17576681, 9536098). Algorithms developed to predict the effect of sequence changes on RNA splicing suggest that this variant is not likely to affect RNA splicing. This variant has not been reported in the literature in individuals affected with CDK13-related conditions. This variant is not present in population databases (gnomAD no frequency). This sequence change falls in intron 11 of the CDK13 gene. It does not directly change the encoded amino acid sequence of the CDK13 protein. It affects a nucleotide within the consensus splice site.

Literature cited by the submitters: PubMed 17576681; PubMed 9536098.